The following is an entry in ClinVar:

NM_006017.3(PROM1):c.220G>T (p.Asp74Tyr)

Gene: PROM1 (prominin 1; minus strand). Cytogenetic location: 4p15.32.
Variant type: single nucleotide variant.
Coding change: c.220G>T on transcript NM_006017.3 (MANE Select); coding-DNA position 220, G replaced by T.
Protein change: p.Asp74Tyr; replaces aspartic acid 74 with tyrosine.
Molecular consequence: missense variant. On other transcripts: non-coding transcript variant (2), intron variant (1).
Genome position (GRCh38, 1-based): chr4:16,075,687, C>A on the plus strand (G>T on the coding strand, the complement: PROM1 is on the minus strand). VCF-style: chr4-16075687-C-A. GRCh37 (hg19) VCF-style: chr4-16077310-C-A.
Other names: c.220G>T, p.Asp74Tyr (NM_001145847.2, NM_001145848.2, NM_001145849.2 and 12 more transcripts); c.-120+8291G>T (NM_001441179.1); short protein forms D74Y.
Identifiers: ClinVar variation 4732780 (VCV004732780.1).

ClinVar aggregate classification (germline): Uncertain significance (1 of 4 stars; one submission).

Submission:

Labcorp Genetics (formerly Invitae), Labcorp
Classification: Uncertain significance. Last evaluated: 2025-12-08. Review status: criteria provided, single submitter. Criteria: Invitae Variant Classification Sherloc (09022015). Collection method: clinical testing. Allele origin: germline.
Comment: This sequence change replaces aspartic acid, which is acidic and polar, with tyrosine, which is neutral and polar, at codon 74 of the PROM1 protein (p.Asp74Tyr). This variant also falls at the last nucleotide of exon 1, which is part of the consensus splice site for this exon. This variant is not present in population databases (gnomAD no frequency). This variant has not been reported in the literature in individuals affected with PROM1-related conditions. An algorithm developed to predict the effect of missense changes on protein structure and function (PolyPhen-2) suggests that this variant is likely to be disruptive. Variants that disrupt the consensus splice site are a relatively common cause of aberrant splicing (PMID: 17576681, 9536098). Algorithms developed to predict the effect of sequence changes on RNA splicing suggest that this variant may disrupt the consensus splice site. In summary, the available evidence is currently insufficient to determine the role of this variant in disease. Therefore, it has been classified as a Variant of Uncertain Significance.

Literature cited by the submitters: PubMed 17576681; PubMed 9536098.